The following is an entry in ClinVar:

NM_001182.5(ALDH7A1):c.518-2A>G

Gene: ALDH7A1 (aldehyde dehydrogenase 7 family member A1; minus strand). Cytogenetic location: 5q23.2.
Variant type: single nucleotide variant.
Coding change: c.518-2A>G on transcript NM_001182.5 (MANE Select); the canonical splice acceptor site of the intron before coding-DNA position 518, A replaced by G.
Molecular consequence: splice acceptor variant.
Genome position (GRCh38, 1-based): chr5:126,577,213, T>C on the plus strand (A>G on the coding strand, the complement: ALDH7A1 is on the minus strand). VCF-style: chr5-126577213-T-C. GRCh37 (hg19) VCF-style: chr5-125912905-T-C.
Other names: c.518-2A>G (NM_001202404.2); c.434-2A>G (NM_001201377.2).
Identifiers: ClinVar variation 2822402 (VCV002822402.3), dbSNP rs2480323096, ClinGen allele CA360731257.

ClinVar aggregate classification (germline): Likely pathogenic (1 of 4 stars; one submission).

Conditions:
Pyridoxine-dependent epilepsy (EPEO4). Also called: Pyridoxine-Dependent Seizures; PYRIDOXINE DEPENDENCY WITH SEIZURES; EPILEPSY, EARLY-ONSET, 4, VITAMIN B6-DEPENDENT; Pyridoxine-Dependent Epilepsy - ALDH7A1. Identifiers: Orphanet 3006, MedGen C1849508, MONDO:0009945, OMIM 266100. Disease mechanism: loss of function.

Submission:

Labcorp Genetics (formerly Invitae), Labcorp
Classification: Likely pathogenic for Pyridoxine-dependent epilepsy. Last evaluated: 2022-12-20. Review status: criteria provided, single submitter. Criteria: Invitae Variant Classification Sherloc (09022015). Collection method: clinical testing. Allele origin: germline.
Comment: In summary, the currently available evidence indicates that the variant is pathogenic, but additional data are needed to prove that conclusively. Therefore, this variant has been classified as Likely Pathogenic. Algorithms developed to predict the effect of sequence changes on RNA splicing suggest that this variant may disrupt the consensus splice site. This variant has not been reported in the literature in individuals affected with ALDH7A1-related conditions. This variant is not present in population databases (gnomAD no frequency). This sequence change affects an acceptor splice site in intron 5 of the ALDH7A1 gene. It is expected to disrupt RNA splicing. Variants that disrupt the donor or acceptor splice site typically lead to a loss of protein function (PMID: 16199547), and loss-of-function variants in ALDH7A1 are known to be pathogenic (PMID: 16491085, 20554659).

Literature cited by the submitters: PubMed 16199547; PubMed 16491085; PubMed 20554659.